The following is an entry in ClinVar:

NM_001330360.2(POLA1):c.2927A>G (p.Lys976Arg)

Gene: POLA1 (DNA polymerase alpha 1, catalytic subunit; plus strand). Cytogenetic location: Xp22.11.
Variant type: single nucleotide variant.
Coding change: c.2927A>G on transcript NM_001330360.2 (MANE Select); coding-DNA position 2927, A replaced by G.
Protein change: p.Lys976Arg; replaces lysine 976 with arginine.
Molecular consequence: missense variant. On other transcripts: non-coding transcript variant (2).
Genome position (GRCh38, 1-based): chrX:24,748,955, A>G. VCF-style: chrX-24748955-A-G. GRCh37 (hg19) VCF-style: chrX-24767072-A-G.
Other names: c.2852A>G, p.Lys951Arg (NM_001378303.1); c.2927A>G, p.Lys976Arg (NM_001440806.1); c.2909A>G, p.Lys970Arg (NM_016937.4); short protein forms K951R, K970R, K976R.
Identifiers: ClinVar variation 4086646 (VCV004086646.1).

ClinVar aggregate classification (germline): Uncertain significance (1 of 4 stars; one submission).

Submission:

GeneDx
Classification: Uncertain significance. Last evaluated: 2025-03-18. Review status: criteria provided, single submitter. Criteria: GeneDx Variant Classification Process June 2021. Collection method: clinical testing. Allele origin: germline. Affected: yes.
Comment: Not observed at significant frequency in large population cohorts (gnomAD); In silico analysis indicates that this missense variant does not alter protein structure/function; Has not been previously published as pathogenic or benign to our knowledge